The following is an entry in ClinVar:

ClinVar aggregate classification (germline): Uncertain significance (1 of 4 stars; one submission).

Allele frequency attached by ClinVar (database versions not stated): gnomAD 0.00001; ExAC 0.00002; TOPMed 0.00003.
gnomAD v4.1: 86 of 1,613,504 alleles (0.0053%); highest among the groups gnomAD compares: East Asian, 0.19%; 2 homozygotes.

Submission:

Labcorp Genetics (formerly Invitae), Labcorp
Classification: Uncertain significance. Last evaluated: 2022-07-12. Review status: criteria provided, single submitter. Criteria: Invitae Variant Classification Sherloc (09022015). Collection method: clinical testing. Allele origin: germline.
Comment: This sequence change replaces threonine, which is neutral and polar, with serine, which is neutral and polar, at codon 1006 of the ARHGEF10 protein (p.Thr1006Ser). This variant is present in population databases (rs2272610, gnomAD 0.01%). This variant has not been reported in the literature in individuals affected with ARHGEF10-related conditions. Algorithms developed to predict the effect of missense changes on protein structure and function output the following: SIFT: "Tolerated"; PolyPhen-2: "Benign"; Align-GVGD: "Class C0". The serine amino acid residue is found in multiple mammalian species, which suggests that this missense change does not adversely affect protein function. In summary, the available evidence is currently insufficient to determine the role of this variant in disease. Therefore, it has been classified as a Variant of Uncertain Significance.

NM_014629.4(ARHGEF10):c.3016A>T (p.Thr1006Ser)

Gene: ARHGEF10 (Rho guanine nucleotide exchange factor 10; plus strand). Cytogenetic location: 8p23.3.
Variant type: single nucleotide variant.
Coding change: c.3016A>T on transcript NM_014629.4 (MANE Select); coding-DNA position 3016, A replaced by T.
Protein change: p.Thr1006Ser; replaces threonine 1006 with serine.
Molecular consequence: missense variant.
Genome position (GRCh38, 1-based): chr8:1,929,380, A>T. VCF-style: chr8-1929380-A-T. GRCh37 (hg19) VCF-style: chr8-1877546-A-T.
Other names: c.2902A>T, p.Thr968Ser (NM_001308152.2); c.3016A>T, p.Thr1006Ser (NM_001308153.3); short protein forms T1006S, T968S, T1030S.
Identifiers: ClinVar variation 1941400 (VCV001941400.5), dbSNP rs2272610, ClinGen allele CA4601157.